The following is an entry in ClinVar:

ClinVar aggregate classification (germline): Uncertain significance (1 of 4 stars; one submission).

Submission:

Labcorp Genetics (formerly Invitae), Labcorp
Classification: Uncertain significance. Last evaluated: 2022-09-07. Review status: criteria provided, single submitter. Criteria: Invitae Variant Classification Sherloc (09022015). Collection method: clinical testing. Allele origin: germline.
Comment: This sequence change replaces arginine, which is basic and polar, with glycine, which is neutral and non-polar, at codon 12 of the NDUFAF3 protein (p.Arg12Gly). This variant is not present in population databases (gnomAD no frequency). This variant has not been reported in the literature in individuals affected with NDUFAF3-related conditions. Algorithms developed to predict the effect of missense changes on protein structure and function output the following: SIFT: "Deleterious"; PolyPhen-2: "Benign"; Align-GVGD: "Class C15". The glycine amino acid residue is found in multiple mammalian species, which suggests that this missense change does not adversely affect protein function. In summary, the available evidence is currently insufficient to determine the role of this variant in disease. Therefore, it has been classified as a Variant of Uncertain Significance.

NM_199069.2(NDUFAF3):c.34C>G (p.Arg12Gly)

Genes: NDUFAF3 (NADH:ubiquinone oxidoreductase complex assembly factor 3; plus strand), LOC129936729 (ATAC-STARR-seq lymphoblastoid silent region 14349; plus strand). Cytogenetic location: 3p21.31.
Variant type: single nucleotide variant.
Coding change: c.34C>G on transcript NM_199069.2 (MANE Select); coding-DNA position 34, C replaced by G.
Protein change: p.Arg12Gly; replaces arginine 12 with glycine.
Molecular consequence: missense variant. On other transcripts: intron variant (3).
Genome position (GRCh38, 1-based): chr3:49,022,178, C>G. VCF-style: chr3-49022178-C-G. GRCh37 (hg19) VCF-style: chr3-49059611-C-G.
Other names: c.-94-168C>G (NM_199074.2, NM_199073.2, NM_199070.2); short protein forms R12G.
Identifiers: ClinVar variation 1898113 (VCV001898113.5), dbSNP rs2471617610, ClinGen allele CA352726299.
Genomic context (GRCh38, chr3:49,022,178, plus strand): 5'-GACGACTTCGCCGCGCGTTGGTCAGCCATGGCCACCGCTCTCGCGCTACGTAGCTTGTAC[C>G]GAGCGCGACCCTCGCTGCGCTGTCCGCCCGTTGAGCTTCCCTGGTGAGCTTGGACCCCGC-3'
Protein context (NP_951032.1, residues 2-22): ATALALRSLY[Arg12Gly]ARPSLRCPPV